The following is an entry in ClinVar:

ClinVar aggregate classification (germline): Uncertain significance (1 of 4 stars; one submission).

Conditions:
Hereditary cancer-predisposing syndrome. Also called: Neoplastic Syndromes, Hereditary; Tumor predisposition; Hereditary Cancer Syndrome; Hereditary neoplastic syndrome. Identifiers: Orphanet 140162, MedGen C0027672, MeSH D009386, MONDO:0015356.

Submission:

Ambry Genetics
Classification: Uncertain significance for Hereditary cancer-predisposing syndrome. Last evaluated: 2024-08-19. Review status: criteria provided, single submitter. Criteria: Ambry Variant Classification Scheme 2023. Collection method: clinical testing. Allele origin: germline.
Comment: The p.G63E variant (also known as c.188G>A), located in coding exon 2 of the NF2 gene, results from a G to A substitution at nucleotide position 188. The glycine at codon 63 is replaced by glutamic acid, an amino acid with similar properties. This amino acid position is conserved. In addition, this alteration is predicted to be deleterious by in silico analysis. Based on the available evidence, the clinical significance of this variant remains unclear.

NM_000268.4(NF2):c.188G>A (p.Gly63Glu)

Gene: NF2 (NF2, moesin-ezrin-radixin like (MERLIN) tumor suppressor; plus strand). Cytogenetic location: 22q12.2.
Variant type: single nucleotide variant.
Coding change: c.188G>A on transcript NM_000268.4 (MANE Select); coding-DNA position 188, G replaced by A.
Protein change: p.Gly63Glu; replaces glycine 63 with glutamic acid.
Molecular consequence: missense variant. On other transcripts: 5 prime UTR variant (2), intron variant (6).
Genome position (GRCh38, 1-based): chr22:29,636,824, G>A. VCF-style: chr22-29636824-G-A. GRCh37 (hg19) VCF-style: chr22-30032813-G-A.
Other names: c.74G>A, p.Gly25Glu (NM_001407053.1, NM_001407056.1); c.188G>A, p.Gly63Glu (NM_001407054.1, NM_001407057.1, NM_001407058.1 and 9 more transcripts); c.-453G>A (NM_001407065.1); c.-69G>A (NM_001407067.1); c.115-2266G>A (NM_181828.3, NM_001407055.1); c.115-5378G>A (NM_001407063.1, NM_181830.3, NM_001407064.1 and 1 more transcripts); short protein forms G63E, G25E.
Identifiers: ClinVar variation 3404994 (VCV003404994.1).